The following is an entry in ClinVar:

ClinVar aggregate classification (germline): Pathogenic. Review status: reviewed by expert panel (3 of 4 stars). 2 submissions from 2 submitters: Pathogenic (1). 1 of the submissions does not count toward it. Last evaluated 2016-10-18.

Conditions:
Breast-ovarian cancer, familial, susceptibility to, 1 (BROVCA1). Also called: BRCA1 Hereditary Breast and Ovarian Cancer; OVARIAN CANCER, SUSCEPTIBILITY TO. Identifiers: Orphanet 145, MedGen C2676676, MONDO:0011450, OMIM 604370. Disease mechanism: loss of function.

Submissions (2):

Evidence-based Network for the Interpretation of Germline Mutant Alleles (ENIGMA)
Classification: Pathogenic for Breast-ovarian cancer, familial, susceptibility to, 1. Last evaluated: 2016-10-18. Review status: reviewed by expert panel. Criteria: ENIGMA BRCA1/2 Classification Criteria (2015). Collection method: curation. Allele origin: germline.
Comment: Variant allele predicted to encode a truncated non-functional protein.

Consortium of Investigators of Modifiers of BRCA1/2 (CIMBA), c/o University of Cambridge
Classification: Pathogenic for Breast-ovarian cancer, familial, susceptibility to, 1. Last evaluated: 2015-10-02. Review status: criteria provided, single submitter. Criteria: CIMBA Mutation Classification guidelines May 2016. Collection method: clinical testing. Allele origin: germline. Not counted in ClinVar's aggregate classification.

NM_007294.4(BRCA1):c.4784del (p.Ser1595fs)

Gene: BRCA1 (BRCA1 DNA repair associated; minus strand). Cytogenetic location: 17q21.31.
Variant type: Deletion.
Coding change: c.4784del on transcript NM_007294.4 (MANE Select); coding-DNA position 4784, one base deleted (C; older notation c.4784delC).
Protein change: p.Ser1595fs; shifts the reading frame from serine 1595.
Molecular consequence: frameshift variant. On other transcripts: non-coding transcript variant (1).
Genome position (GRCh38, 1-based): chr17:43,071,130, G deleted on the plus strand (C on the coding strand, the reverse complement: BRCA1 is on the minus strand). VCF-style (leftmost placement, unchanged base first): chr17-43071129-AG-A. GRCh37 (hg19) VCF-style: chr17-41223146-AG-A.
Other names: 4903delC; c.4571delC, p.Ser1524Phefs (NM_001407571.1, NM_001407894.1, NM_001407895.1 and 12 more transcripts); c.4850delC, p.Ser1617Phefs (NM_001407581.1, NM_001407582.1); c.4847delC, p.Ser1616Phefs (NM_001407583.1, NM_001407585.1, NM_001407587.1); c.4844delC, p.Ser1615Phefs (NM_001407590.1, NM_001407591.1); c.4784delC, p.Ser1595Phefs (NM_001407593.1, NM_001407594.1, NM_001407596.1 and 9 more transcripts); c.4781delC, p.Ser1594Phefs (NM_001407610.1, NM_001407611.1, NM_001407612.1 and 17 more transcripts); c.4778delC, p.Ser1593Phefs (NM_001407627.1, NM_001407628.1, NM_001407629.1 and 14 more transcripts); and 74 more; short protein forms S491fs, S1548fs, S1595fs, S1616fs.
Identifiers: ClinVar variation 266495 (VCV000266495.6), dbSNP rs886040248, ClinGen allele CA10589644.